The following is an entry in ClinVar:

NM_000359.3(TGM1):c.726G>A (p.Glu242=)

Gene: TGM1 (transglutaminase 1; minus strand). Cytogenetic location: 14q12.
Variant type: single nucleotide variant.
Coding change: c.726G>A on transcript NM_000359.3 (MANE Select); coding-DNA position 726, G replaced by A.
Protein change: p.Glu242=; no amino-acid change (glutamic acid 242 retained).
Molecular consequence: synonymous variant.
Genome position (GRCh38, 1-based): chr14:24,260,481, C>T on the plus strand (G>A on the coding strand, the complement: TGM1 is on the minus strand). VCF-style: chr14-24260481-C-T. GRCh37 (hg19) VCF-style: chr14-24729687-C-T.
Identifiers: ClinVar variation 255942 (VCV000255942.21), dbSNP rs35755034, ClinGen allele CA7131317.
Genomic context (GRCh38, chr14:24,260,481, plus strand): 5'-ACCCTCTGCTCCAGACCCCAGCTGCTCACCTGGGCACCAGGGGTTGAAGAGGATGTAGAT[C>T]TCATTGCGGGGGTCAAAGGGCAACTGGAACTCCCCAGCGTCTGATTGTGTGCGGACTGTG-3'
Protein context (NP_000350.1, residues 232-252): EFQLPFDPRN[Glu242=]IYILFNPWCP

ClinVar aggregate classification (germline): Benign. Review status: criteria provided, multiple submitters, no conflicts (2 of 4 stars). 7 submissions from 7 submitters: Benign (6). 1 of the submissions does not count toward it. Last evaluated 2026-02-04.

Conditions:
Autosomal recessive congenital ichthyosis 1 (LI1). Also called: ICHTHYOSIS, CONGENITAL, AUTOSOMAL RECESSIVE 1, WITH BATHING SUIT DISTRIBUTION; ICHTHYOSIS, CONGENITAL, AUTOSOMAL RECESSIVE 1, WITH OR WITHOUT BATHING SUIT DISTRIBUTION; ICHTHYOSIS CONGENITA II; LAMELLAR EXFOLIATION OF NEWBORN; COLLODION FETUS; DESQUAMATION OF NEWBORN. Identifiers: MedGen C4551630, MONDO:0009441, OMIM 242300.

Allele frequency attached by ClinVar (database versions not stated): gnomAD exomes 0.03682; ExAC 0.03766; gnomAD 0.04883 and 0.04892; ESP Exome Variant Server 0.04928; TOPMed 0.05018; 1000 Genomes Project 0.05811; 1000 Genomes Project 30x 0.05965.
gnomAD v4.1: 44,526 of 1,614,194 alleles (2.8%); highest among the groups gnomAD compares: African/African-American, 11%; 1,103 homozygotes.

Submissions (7):

Labcorp Genetics (formerly Invitae), Labcorp
Classification: Benign. Last evaluated: 2026-02-04. Review status: criteria provided, single submitter. Criteria: Invitae Variant Classification Sherloc (09022015). Collection method: clinical testing. Allele origin: germline.

Illumina Laboratory Services, Illumina
Classification: Benign for Autosomal recessive congenital ichthyosis 1. Last evaluated: 2018-01-12. Review status: criteria provided, single submitter. Criteria: ICSL Variant Classification Criteria 13 December 2019. Collection method: clinical testing. Allele origin: germline.
Comment: This variant was observed in the ICSL laboratory as part of a predisposition screen in an ostensibly healthy population. It had not been previously curated by ICSL or reported in the Human Gene Mutation Database (HGMD: prior to June 1st, 2018), and was therefore a candidate for classification through an automated scoring system. Utilizing variant allele frequency, disease prevalence and penetrance estimates, and inheritance mode, an automated score was calculated to assess if this variant is too frequent to cause the disease. Based on the score and internal cut-off values, a variant classified as benign is not then subjected to further curation. The score for this variant resulted in a classification of benign for this disease.

GeneDx
Classification: Benign. Last evaluated: 2015-03-03. Review status: criteria provided, single submitter. Criteria: GeneDx Variant Classification Process June 2021. Collection method: clinical testing. Allele origin: germline. Affected: yes.

Breakthrough Genomics
Classification: Benign. Review status: criteria provided, single submitter. Criteria: ACMG Guidelines, 2015. Collection method: not provided. Allele origin: germline. Inheritance: Autosomal recessive inheritance. Affected: yes.

Genome-Nilou Lab
Classification: Benign for Autosomal recessive congenital ichthyosis 1. Review status: criteria provided, single submitter. Criteria: ACMG Guidelines, 2015. Collection method: clinical testing. Allele origin: germline.

PreventionGenetics, part of Exact Sciences
Classification: Benign. Review status: criteria provided, single submitter. Criteria: ACMG Guidelines, 2015. Collection method: clinical testing. Allele origin: germline.

Natera, Inc.
Classification: Benign for Autosomal recessive congenital ichthyosis type 1. Last evaluated: 2019-11-22. Review status: no assertion criteria provided. Collection method: clinical testing. Allele origin: germline. Not counted in ClinVar's aggregate classification.